The following is an entry in ClinVar:

NM_182972.3(IRF2BP2):c.288G>C (p.Gln96His)

Genes: IRF2BP2 (interferon regulatory factor 2 binding protein 2; minus strand), LOC129932812 (ATAC-STARR-seq lymphoblastoid silent region 1977; plus strand). Cytogenetic location: 1q42.3.
Variant type: single nucleotide variant.
Coding change: c.288G>C on transcript NM_182972.3 (MANE Select); coding-DNA position 288, G replaced by C.
Protein change: p.Gln96His; replaces glutamine 96 with histidine.
Molecular consequence: missense variant.
Genome position (GRCh38, 1-based): chr1:234,609,207, C>G on the plus strand (G>C on the coding strand, the complement: IRF2BP2 is on the minus strand). VCF-style: chr1-234609207-C-G. GRCh37 (hg19) VCF-style: chr1-234744953-C-G.
Other names: c.288G>C, p.Gln96His (NM_001077397.1); short protein forms Q96H.
Identifiers: ClinVar variation 3676305 (VCV003676305.2).

ClinVar aggregate classification (germline): Uncertain significance (1 of 4 stars; one submission).

gnomAD v4.1: 9 of 1,324,808 alleles (0.00068%); highest among the groups gnomAD compares: African/African-American, 0.014%; no homozygotes.

Submission:

Labcorp Genetics (formerly Invitae), Labcorp
Classification: Uncertain significance. Last evaluated: 2026-01-05. Review status: criteria provided, single submitter. Criteria: Invitae Variant Classification Sherloc (09022015). Collection method: clinical testing. Allele origin: germline.
Comment: This sequence change replaces glutamine, which is neutral and polar, with histidine, which is basic and polar, at codon 96 of the IRF2BP2 protein (p.Gln96His). This variant is present in population databases (no rsID available, gnomAD 0.03%). This variant has not been reported in the literature in individuals affected with IRF2BP2-related conditions. ClinVar contains an entry for this variant (Variation ID: 3676305). An algorithm developed to predict the effect of missense changes on protein structure and function (PolyPhen-2) suggests that this variant is likely to be tolerated. In summary, the available evidence is currently insufficient to determine the role of this variant in disease. Therefore, it has been classified as a Variant of Uncertain Significance.